The following is an entry in ClinVar:

ClinVar aggregate classification (germline): Benign/Likely benign. Review status: criteria provided, multiple submitters, no conflicts (2 of 4 stars). 4 submissions from 4 submitters: Benign (1); Likely benign (3). Last evaluated 2024-08-07.

Conditions:
Juvenile polyposis syndrome (JPS). Identifiers: Orphanet 2929, MedGen C0345893, MONDO:0017380, OMIM 174900.
Hereditary cancer-predisposing syndrome. Also called: Hereditary neoplastic syndrome; Neoplastic Syndromes, Hereditary; Tumor predisposition; Hereditary Cancer Syndrome. Identifiers: Orphanet 140162, MedGen C0027672, MeSH D009386, MONDO:0015356.

Submissions (4):

Myriad Genetics, Inc.
Classification: Benign for Juvenile polyposis syndrome. Last evaluated: 2024-08-07. Review status: criteria provided, single submitter. Criteria: Myriad Autosomal Dominant, Autosomal Recessive and X-Linked Classification Criteria (2023). Collection method: clinical testing. Allele origin: unknown.
Comment: This variant is considered benign. This variant is a silent/synonymous amino acid change and it is not expected to impact splicing.

Labcorp Genetics (formerly Invitae), Labcorp
Classification: Likely benign for Juvenile polyposis syndrome. Last evaluated: 2024-04-16. Review status: criteria provided, single submitter. Criteria: Invitae Variant Classification Sherloc (09022015). Collection method: clinical testing. Allele origin: germline.

Women's Health and Genetics/Laboratory Corporation of America, LabCorp
Classification: Likely benign. Last evaluated: 2019-08-21. Review status: criteria provided, single submitter. Criteria: LabCorp Variant Classification Summary - May 2015. Collection method: clinical testing. Allele origin: germline.

Ambry Genetics
Classification: Likely benign for Hereditary cancer-predisposing syndrome. Last evaluated: 2017-01-30. Review status: criteria provided, single submitter. Criteria: Ambry Variant Classification Scheme 2023. Collection method: clinical testing. Allele origin: germline.

NM_004329.3(BMPR1A):c.1251G>A (p.Leu417=)

Gene: BMPR1A (bone morphogenetic protein receptor type 1A; plus strand). Cytogenetic location: 10q23.2.
Variant type: single nucleotide variant.
Coding change: c.1251G>A on transcript NM_004329.3 (MANE Select); coding-DNA position 1251, G replaced by A.
Protein change: p.Leu417=; no amino-acid change (leucine 417 retained).
Molecular consequence: synonymous variant.
Genome position (GRCh38, 1-based): chr10:86,921,604, G>A. VCF-style: chr10-86921604-G-A. GRCh37 (hg19) VCF-style: chr10-88681361-G-A.
Identifiers: ClinVar variation 482879 (VCV000482879.18), dbSNP rs1554891336, ClinGen allele CA470308332.